The following is an entry in ClinVar:

NM_024577.4(SH3TC2):c.1342G>C (p.Asp448His)

Gene: SH3TC2 (SH3 domain and tetratricopeptide repeats 2; minus strand). Cytogenetic location: 5q32.
Variant type: single nucleotide variant.
Coding change: c.1342G>C on transcript NM_024577.4 (MANE Select); coding-DNA position 1342, G replaced by C.
Protein change: p.Asp448His; replaces aspartic acid 448 with histidine.
Molecular consequence: missense variant.
Genome position (GRCh38, 1-based): chr5:149,028,390, C>G on the plus strand (G>C on the coding strand, the complement: SH3TC2 is on the minus strand). VCF-style: chr5-149028390-C-G. GRCh37 (hg19) VCF-style: chr5-148407953-C-G.
Other names: p.Asp448His; short protein forms D448H.
Identifiers: ClinVar variation 157533 (VCV000157533.12), dbSNP rs587781252, ClinGen allele CA270947.

ClinVar aggregate classification (germline): Uncertain significance. Review status: criteria provided, multiple submitters, no conflicts (2 of 4 stars). 3 submissions from 3 submitters: Uncertain significance (2). 1 of the submissions does not count toward it. Last evaluated 2023-08-17.

Conditions:
Charcot-Marie-Tooth disease. Also called: Charcot-Marie-Tooth Hereditary Neuropathy; Charcot-Marie-Tooth Neuropathy. Identifiers: Orphanet 166, MedGen C0007959, MONDO:0015626.
Charcot-Marie-Tooth disease type 4. Also called: Charcot-Marie-Tooth disease, type IV; Charcot-Marie-Tooth, Type 4. Identifiers: Orphanet 64749, MedGen C4082197, MONDO:0018995.

Allele frequency attached by ClinVar (database versions not stated): gnomAD 0.00001; TOPMed 0.00001; gnomAD exomes 0.00002 and 0.00005; ExAC 0.00008.
gnomAD v4.1: 37 of 1,614,018 alleles (0.0023%); highest among the groups gnomAD compares: Non-Finnish European, 0.0027%; no homozygotes.

Submissions (3):

Mayo Clinic Laboratories, Mayo Clinic
Classification: Uncertain significance. Last evaluated: 2023-08-17. Review status: criteria provided, single submitter. Criteria: ACMG Guidelines, 2015. Collection method: clinical testing. Allele origin: germline. Observed: 1 variant allele.

Labcorp Genetics (formerly Invitae), Labcorp
Classification: Uncertain significance for Charcot-Marie-Tooth disease type 4. Last evaluated: 2022-10-13. Review status: criteria provided, single submitter. Criteria: Invitae Variant Classification Sherloc (09022015). Collection method: clinical testing. Allele origin: germline.
Comment: This sequence change replaces aspartic acid, which is acidic and polar, with histidine, which is basic and polar, at codon 448 of the SH3TC2 protein (p.Asp448His). This variant is present in population databases (rs587781252, gnomAD 0.009%). This missense change has been observed in individual(s) with Charcot-Marie-Tooth disease (PMID: 25025039). ClinVar contains an entry for this variant (Variation ID: 157533). Advanced modeling of protein sequence and biophysical properties (such as structural, functional, and spatial information, amino acid conservation, physicochemical variation, residue mobility, and thermodynamic stability) performed at Invitae indicates that this missense variant is not expected to disrupt SH3TC2 protein function. In summary, the available evidence is currently insufficient to determine the role of this variant in disease. Therefore, it has been classified as a Variant of Uncertain Significance.

Dept. of Medical Genetics, Telemark Hospital Trust, Telemark Hospital Trust
Classification: Uncertain significance for Charcot-Marie-Tooth disease. Last evaluated: 2013-11-01. Review status: no assertion criteria provided. Collection method: research. Allele origin: unknown. Affected: yes. Study: Charcot-Marie-Tooth disease study. Not counted in ClinVar's aggregate classification.
Comment: Populational based study of Charcot-Marie-Tooth disease in Norway

Literature cited by the submitters: PubMed 25025039 (cited by 3 submitters); PMC 4306395 (cited by Dept. of Medical Genetics, Telemark Hospital Trust, Telemark Hospital Trust).